The following is an entry in ClinVar:

ClinVar aggregate classification (germline): Likely benign. Review status: criteria provided, multiple submitters, no conflicts (2 of 4 stars). 2 submissions from 2 submitters: Likely benign (2). Last evaluated 2025-07-01.

Conditions:
Dextro-looped transposition of the great arteries. Also called: Dextrotransposition of the great arteries. Identifiers: Orphanet 860, MedGen C3531771, MONDO:0019443, OMIM 608808, HP:0031348.

Allele frequency attached by ClinVar (database versions not stated): gnomAD 0.00001; gnomAD exomes 0.00002 and 0.00003; ExAC 0.00003.
gnomAD v4.1: 35 of 1,598,770 alleles (0.0022%); highest among the groups gnomAD compares: Non-Finnish European, 0.003%; no homozygotes.

Submissions (2):

CeGaT Center for Human Genetics Tuebingen
Classification: Likely benign. Last evaluated: 2025-07-01. Review status: criteria provided, single submitter. Criteria: CeGaT Center For Human Genetics Tuebingen Variant Classification Criteria Version 2. Collection method: clinical testing. Allele origin: germline. Affected: yes. Observed: 1 variant allele.
Comment: MED13L: BP4, BP7

Labcorp Genetics (formerly Invitae), Labcorp
Classification: Likely benign for Dextro-looped transposition of the great arteries. Last evaluated: 2025-04-09. Review status: criteria provided, single submitter. Criteria: Invitae Variant Classification Sherloc (09022015). Collection method: clinical testing. Allele origin: germline.

NM_015335.5(MED13L):c.3000C>T (p.Asn1000=)

Gene: MED13L (mediator complex subunit 13L; minus strand). Cytogenetic location: 12q24.21.
Variant type: single nucleotide variant.
Coding change: c.3000C>T on transcript NM_015335.5 (MANE Select); coding-DNA position 3000, C replaced by T.
Protein change: p.Asn1000=; no amino-acid change (asparagine 1000 retained).
Molecular consequence: synonymous variant.
Genome position (GRCh38, 1-based): chr12:115,991,954, G>A on the plus strand (C>T on the coding strand, the complement: MED13L is on the minus strand). VCF-style: chr12-115991954-G-A. GRCh37 (hg19) VCF-style: chr12-116429759-G-A.
Identifiers: ClinVar variation 1589118 (VCV001589118.16), dbSNP rs775221277, ClinGen allele CA6811042.